The following is an entry in ClinVar:

ClinVar aggregate classification (germline): Pathogenic (1 of 4 stars; one submission).

Allele frequency attached by ClinVar (database versions not stated): gnomAD exomes below 0.00001.
gnomAD v4.1: 1 of 1,555,756 alleles (0.000064%); highest among the groups gnomAD compares: Non-Finnish European, 0.000087%; no homozygotes.

Submission:

Labcorp Genetics (formerly Invitae), Labcorp
Classification: Pathogenic. Last evaluated: 2023-03-18. Review status: criteria provided, single submitter. Criteria: Invitae Variant Classification Sherloc (09022015). Collection method: clinical testing. Allele origin: germline.
Comment: For these reasons, this variant has been classified as Pathogenic. This variant has not been reported in the literature in individuals affected with CACNA1B-related conditions. This variant is not present in population databases (gnomAD no frequency). This sequence change creates a premature translational stop signal (p.Gln1996*) in the CACNA1B gene. It is expected to result in an absent or disrupted protein product. Loss-of-function variants in CACNA1B are known to be pathogenic (PMID: 30982612).

Literature cited by the submitters: PubMed 30982612.

NM_000718.4(CACNA1B):c.5986C>T (p.Gln1996Ter)

Gene: CACNA1B (calcium voltage-gated channel subunit alpha1 B; plus strand). Cytogenetic location: 9q34.3.
Variant type: single nucleotide variant.
Coding change: c.5986C>T on transcript NM_000718.4 (MANE Select); coding-DNA position 5986, C replaced by T.
Protein change: p.Gln1996Ter; replaces glutamine 1996 with a stop codon.
Molecular consequence: nonsense.
Genome position (GRCh38, 1-based): chr9:138,118,724, C>T. VCF-style: chr9-138118724-C-T. GRCh37 (hg19) VCF-style: chr9-141013176-C-T.
Other names: c.5986C>T, p.Gln1996Ter (NM_001243812.2); short protein forms Q1996*.
Identifiers: ClinVar variation 2847135 (VCV002847135.3), dbSNP rs2539609617, ClinGen allele CA375820186.